The following is an entry in ClinVar:

NM_015100.4(POGZ):c.2626C>T (p.Pro876Ser)

Gene: POGZ (pogo transposable element derived with ZNF domain; minus strand). Cytogenetic location: 1q21.3.
Variant type: single nucleotide variant.
Coding change: c.2626C>T on transcript NM_015100.4 (MANE Select); coding-DNA position 2626, C replaced by T.
Protein change: p.Pro876Ser; replaces proline 876 with serine.
Molecular consequence: missense variant.
Genome position (GRCh38, 1-based): chr1:151,406,409, G>A on the plus strand (C>T on the coding strand, the complement: POGZ is on the minus strand). VCF-style: chr1-151406409-G-A. GRCh37 (hg19) VCF-style: chr1-151378885-G-A.
Other names: c.2599C>T, p.Pro867Ser (NM_001194937.2); c.2440C>T, p.Pro814Ser (NM_001194938.2); c.2647C>T, p.Pro883Ser (NM_001410860.1); c.2341C>T, p.Pro781Ser (NM_145796.4); c.2467C>T, p.Pro823Ser (NM_207171.2); short protein forms P781S, P814S, P823S, P867S, P876S, P883S.
Identifiers: ClinVar variation 2639176 (VCV002639176.24), dbSNP rs1261532335, ClinGen allele CA341949887.
Genomic context (GRCh38, chr1:151,406,409, plus strand): 5'-CAGCTGGGGTGGCCCCCGCAGATTTCACAGTGGCAGCTTTGTTAGTGGGGAAGGAAGGAG[G>A]AGGGTACATATTCTTCACGTTCCGGTCATGCACTCGGTCACGAGTCTGGCCATGCCTAAA-3'
Protein context (NP_055915.2, residues 866-886): HDRNVKNMYP[Pro876Ser]PSFPTNKAAT

ClinVar aggregate classification (germline): Likely benign (1 of 4 stars; one submission).

Allele frequency attached by ClinVar (database versions not stated): gnomAD exomes below 0.00001; gnomAD 0.00001.
gnomAD v4.1: 4 of 1,568,250 alleles (0.00026%); highest among the groups gnomAD compares: African/African-American, 0.0014%; no homozygotes.

Submission:

CeGaT Center for Human Genetics Tuebingen
Classification: Likely benign. Last evaluated: 2022-04-01. Review status: criteria provided, single submitter. Criteria: CeGaT Center For Human Genetics Tuebingen Variant Classification Criteria Version 2. Collection method: clinical testing. Allele origin: germline. Affected: yes. Observed: 1 variant allele.
Comment: POGZ: BP1, BP4